The following is an entry in ClinVar:

NC_000012.12:g.121626836C>A

Genes: ORAI1 (ORAI calcium release-activated calcium modulator 1; plus strand), LOC130008987 (ATAC-STARR-seq lymphoblastoid silent region 4981; plus strand). Cytogenetic location: 12q24.31.
Variant type: single nucleotide variant.
Genome position: GRCh38 VCF-style: chr12-121626836-C-A. GRCh37 (hg19) VCF-style: chr12-122064741-C-A.
Other names: c.94C>A, p.Arg32Ser (NM_032790.4); short protein forms R32S.
Identifiers: ClinVar variation 2052817 (VCV002052817.4), dbSNP rs2503521819, ClinGen allele CA386980502.

ClinVar aggregate classification (germline): Uncertain significance (1 of 4 stars; one submission).

Conditions:
Combined immunodeficiency due to ORAI1 deficiency. Also called: IMMUNODEFICIENCY 9. Identifiers: Orphanet 169090, Orphanet 317428, MedGen C2748568, MONDO:0013007, OMIM 612782.
Myopathy, tubular aggregate, 2 (TAM2). Identifiers: MedGen C4014557, MONDO:0014383, OMIM 615883.

Submission:

Labcorp Genetics (formerly Invitae), Labcorp
Classification: Uncertain significance for Myopathy, tubular aggregate, 2; Combined immunodeficiency due to ORAI1 deficiency. Last evaluated: 2022-03-18. Review status: criteria provided, single submitter. Criteria: Invitae Variant Classification Sherloc (09022015). Collection method: clinical testing. Allele origin: germline.
Comment: In summary, the available evidence is currently insufficient to determine the role of this variant in disease. Therefore, it has been classified as a Variant of Uncertain Significance. Experimental studies and prediction algorithms are not available or were not evaluated, and the functional significance of this variant is currently unknown. This variant has not been reported in the literature in individuals affected with ORAI1-related conditions. This variant is not present in population databases (gnomAD no frequency). This sequence change replaces arginine, which is basic and polar, with serine, which is neutral and polar, at codon 32 of the ORAI1 protein (p.Arg32Ser).